The following is an entry in ClinVar:

NM_000548.5(TSC2):c.1922G>A (p.Ser641Asn)

Gene: TSC2 (TSC complex subunit 2; plus strand). Cytogenetic location: 16p13.3.
Variant type: single nucleotide variant.
Coding change: c.1922G>A on transcript NM_000548.5 (MANE Select); coding-DNA position 1922, G replaced by A.
Protein change: p.Ser641Asn; replaces serine 641 with asparagine.
Molecular consequence: missense variant.
Genome position (GRCh38, 1-based): chr16:2,071,592, G>A. VCF-style: chr16-2071592-G-A. GRCh37 (hg19) VCF-style: chr16-2121593-G-A.
Other names: c.1922G>A, p.Ser641Asn (NM_001077183.3, NM_001114382.3, NM_001363528.2 and 3 more transcripts); c.1811G>A, p.Ser604Asn (NM_001318827.2); c.1775G>A, p.Ser592Asn (NM_001318829.2); c.1322G>A, p.Ser441Asn (NM_001318831.2); c.1955G>A, p.Ser652Asn (NM_001318832.2); short protein forms S441N, S652N, S604N, S641N, S592N.
Identifiers: ClinVar variation 837446 (VCV000837446.12), dbSNP rs397514964, ClinGen allele CA394273260.

ClinVar aggregate classification (germline): Uncertain significance. Review status: criteria provided, multiple submitters, no conflicts (2 of 4 stars). 2 submissions from 2 submitters: Uncertain significance (2). Last evaluated 2022-01-05.

Conditions:
Tuberous sclerosis 2 (TSC2). Identifiers: Orphanet 805, MedGen C1860707, MONDO:0013199, OMIM 613254.
Hereditary cancer-predisposing syndrome. Also called: Neoplastic Syndromes, Hereditary; Hereditary neoplastic syndrome; Tumor predisposition; Hereditary Cancer Syndrome. Identifiers: Orphanet 140162, MedGen C0027672, MeSH D009386, MONDO:0015356.

Submissions (2):

Ambry Genetics
Classification: Uncertain significance for Hereditary cancer-predisposing syndrome. Last evaluated: 2022-01-05. Review status: criteria provided, single submitter. Criteria: Ambry Variant Classification Scheme 2023. Collection method: clinical testing. Allele origin: germline.
Comment: The p.S641N variant (also known as c.1922G>A), located in coding exon 17 of the TSC2 gene, results from a G to A substitution at nucleotide position 1922. The serine at codon 641 is replaced by asparagine, an amino acid with highly similar properties. This amino acid position is conserved. In addition, the in silico prediction for this alteration is inconclusive. Since supporting evidence is limited at this time, the clinical significance of this alteration remains unclear.

Labcorp Genetics (formerly Invitae), Labcorp
Classification: Uncertain significance for Tuberous sclerosis 2. Last evaluated: 2019-07-25. Review status: criteria provided, single submitter. Criteria: Invitae Variant Classification Sherloc (09022015). Collection method: clinical testing. Allele origin: germline.
Comment: In summary, the available evidence is currently insufficient to determine the role of this variant in disease. Therefore, it has been classified as a Variant of Uncertain Significance. Algorithms developed to predict the effect of missense changes on protein structure and function are either unavailable or do not agree on the potential impact of this missense change (SIFT: "Deleterious"; PolyPhen-2: "Probably Damaging"; Align-GVGD: "Class C0"). This variant has not been reported in the literature in individuals with TSC2-related conditions. This variant is not present in population databases (ExAC no frequency). This sequence change replaces serine with asparagine at codon 641 of the TSC2 protein (p.Ser641Asn). The serine residue is highly conserved and there is a small physicochemical difference between serine and asparagine.